The following is an entry in ClinVar:

ClinVar aggregate classification (germline): Uncertain significance (1 of 4 stars; one submission).

Conditions:
TSC2-related disorder. Also called: TSC2-Related Disorders; TSC2-related condition.

gnomAD v4.1: 14 of 1,137,832 alleles (0.0012%); highest among the groups gnomAD compares: Admixed American, 0.0084%; no homozygotes.

Submission:

PreventionGenetics, part of Exact Sciences
Classification: Uncertain significance for TSC2-related condition. Last evaluated: 2026-06-17. Review status: criteria provided, single submitter. Criteria: ACMG Guidelines, 2015. Collection method: clinical testing. Allele origin: germline.
Comment: The TSC2 c.1119+135C>T variant is predicted to interfere with splicing. To our knowledge, this variant has not been reported in the literature or in a large population database (gnomAD), indicating this variant is rare. At the time of reporting, this variant is absent from the ClinVar database. This variant is predicted to alter splicing based on available splicing prediction programs (SpliceAI, Jaganathan et al. 2019. PubMed ID: 30661751). However, the use of computer prediction programs is not equivalent to functional evidence, and therefore the clinical significance of this variant is uncertain.

NM_000548.5(TSC2):c.1119+135C>T

Gene: TSC2 (TSC complex subunit 2; plus strand). Cytogenetic location: 16p13.3.
Variant type: single nucleotide variant.
Coding change: c.1119+135C>T on transcript NM_000548.5 (MANE Select); 135 bases into the intron after coding-DNA position 1119, C replaced by T.
Molecular consequence: intron variant.
Genome position (GRCh38, 1-based): chr16:2,060,948, C>T. VCF-style: chr16-2060948-C-T. GRCh37 (hg19) VCF-style: chr16-2110949-C-T.
Other names: c.-312-5C>T (NM_001406693.1, NM_001406689.1, NM_001406690.1 and 4 more transcripts); c.1209+135C>T (NM_001406667.1, NM_001406668.1); c.519+135C>T (NM_001406680.1, NM_001406683.1, NM_001406687.1 and 6 more transcripts); c.-488-5C>T (NM_001406698.1); c.1119+135C>T (NM_001114382.3, NM_001406663.1, NM_001406664.1 and 6 more transcripts); c.-194+135C>T (NM_001406694.1, NM_001406695.1); c.1107+135C>T (NM_001406671.1, NM_001406673.1); c.657+135C>T (NM_001406681.1); and 4 more.
Identifiers: ClinVar variation 4984978 (VCV004984978.1).